The following is an entry in ClinVar:

ClinVar aggregate classification (germline): Uncertain significance (1 of 4 stars; one submission).

Conditions:
Neurodevelopmental disorder with hypotonia, stereotypic hand movements, and impaired language. Also called: Intellectual disability, autosomal dominant 20. Identifiers: Orphanet 228384, Orphanet 664410, MedGen C3150700, MONDO:0013266, OMIM 613443.

Submission:

Labcorp Genetics (formerly Invitae), Labcorp
Classification: Uncertain significance for Neurodevelopmental disorder with hypotonia, stereotypic hand movements, and impaired language. Last evaluated: 2024-04-02. Review status: criteria provided, single submitter. Criteria: Invitae Variant Classification Sherloc (09022015). Collection method: clinical testing. Allele origin: germline.
Comment: This sequence change replaces proline, which is neutral and non-polar, with serine, which is neutral and polar, at codon 420 of the MEF2C protein (p.Pro420Ser). This variant is not present in population databases (gnomAD no frequency). This variant has not been reported in the literature in individuals affected with MEF2C-related conditions. Advanced modeling of protein sequence and biophysical properties (such as structural, functional, and spatial information, amino acid conservation, physicochemical variation, residue mobility, and thermodynamic stability) has been performed at Invitae for this missense variant, however the output from this modeling did not meet the statistical confidence thresholds required to predict the impact of this variant on MEF2C protein function. In summary, the available evidence is currently insufficient to determine the role of this variant in disease. Therefore, it has been classified as a Variant of Uncertain Significance.

NM_002397.5(MEF2C):c.1258C>T (p.Pro420Ser)

Genes: MEF2C (myocyte enhancer factor 2C; minus strand), MEF2C-AS2 (MEF2C antisense RNA 2; plus strand). Cytogenetic location: 5q14.3.
Variant type: single nucleotide variant.
Coding change: c.1258C>T on transcript NM_002397.5 (MANE Select); coding-DNA position 1258, C replaced by T.
Protein change: p.Pro420Ser; replaces proline 420 with serine.
Molecular consequence: missense variant. On other transcripts: non-coding transcript variant (1).
Genome position (GRCh38, 1-based): chr5:88,722,768, G>A on the plus strand (C>T on the coding strand, the complement: MEF2C is on the minus strand). VCF-style: chr5-88722768-G-A. GRCh37 (hg19) VCF-style: chr5-88018585-G-A.
Other names: c.1228C>T, p.Pro410Ser (NM_001131005.2); c.1288C>T, p.Pro430Ser (NM_001193347.1); c.1090C>T, p.Pro364Ser (NM_001193348.1); c.1018C>T, p.Pro340Ser (NM_001193349.3, NM_001364332.2); c.1258C>T, p.Pro420Ser (NM_001193350.2, NM_001364329.2, NM_001364330.2 and 1 more transcripts); c.1234C>T, p.Pro412Ser (NM_001308002.3, NM_001364333.2); c.1162C>T, p.Pro388Ser (NM_001363581.2, NM_001364334.2, NM_001364335.2 and 2 more transcripts); c.1192C>T, p.Pro398Ser (NM_001364338.2); and 10 more; short protein forms P398S, P410S, S387F, P340S, P380S, P262S, P378S, P388S.
Identifiers: ClinVar variation 2844812 (VCV002844812.3), dbSNP rs2546726234, ClinGen allele CA360422059.